The following is an entry in ClinVar:

NM_001371986.1(UNC80):c.8435A>G (p.Asn2812Ser)

Gene: UNC80 (unc-80 subunit of NALCN channel complex; plus strand). Cytogenetic location: 2q34.
Variant type: single nucleotide variant.
Coding change: c.8435A>G on transcript NM_001371986.1 (MANE Select); coding-DNA position 8435, A replaced by G.
Protein change: p.Asn2812Ser; replaces asparagine 2812 with serine.
Molecular consequence: missense variant.
Genome position (GRCh38, 1-based): chr2:209,973,118, A>G. VCF-style: chr2-209973118-A-G. GRCh37 (hg19) VCF-style: chr2-210837842-A-G.
Other names: c.8237A>G, p.Asn2746Ser (NM_032504.2); c.8222A>G, p.Asn2741Ser (NM_182587.4); short protein forms N2812S, N2741S, N2746S.
Identifiers: ClinVar variation 2008365 (VCV002008365.4), dbSNP rs2471228954, ClinGen allele CA350413221.

ClinVar aggregate classification (germline): Uncertain significance (1 of 4 stars; one submission).

Submission:

Labcorp Genetics (formerly Invitae), Labcorp
Classification: Uncertain significance. Last evaluated: 2022-06-19. Review status: criteria provided, single submitter. Criteria: Invitae Variant Classification Sherloc (09022015). Collection method: clinical testing. Allele origin: germline.
Comment: Algorithms developed to predict the effect of missense changes on protein structure and function are either unavailable or do not agree on the potential impact of this missense change (SIFT: "Not Available"; PolyPhen-2: "Probably Damaging"; Align-GVGD: "Not Available"). This variant has not been reported in the literature in individuals affected with UNC80-related conditions. This variant is not present in population databases (gnomAD no frequency). This sequence change replaces asparagine, which is neutral and polar, with serine, which is neutral and polar, at codon 2746 of the UNC80 protein (p.Asn2746Ser). In summary, the available evidence is currently insufficient to determine the role of this variant in disease. Therefore, it has been classified as a Variant of Uncertain Significance.